The following is an entry in ClinVar:

NM_001123385.2(BCOR):c.938C>T (p.Pro313Leu)

Genes: BCOR (BCL6 corepressor; minus strand), LOC126863239 (MED14-independent group 3 enhancer GRCh37_chrX:39932994-39934193; plus strand). Cytogenetic location: Xp11.4.
Variant type: single nucleotide variant.
Coding change: c.938C>T on transcript NM_001123385.2 (MANE Select); coding-DNA position 938, C replaced by T.
Protein change: p.Pro313Leu; replaces proline 313 with leucine.
Molecular consequence: missense variant.
Genome position (GRCh38, 1-based): chrX:40,074,408, G>A on the plus strand (C>T on the coding strand, the complement: BCOR is on the minus strand). VCF-style: chrX-40074408-G-A. GRCh37 (hg19) VCF-style: chrX-39933661-G-A.
Other names: c.938C>T, p.Pro313Leu (NM_001123383.2, NM_001123384.2, NM_017745.6); short protein forms P313L.
Identifiers: ClinVar variation 970326 (VCV000970326.10), dbSNP rs1935673518, ClinGen allele CA412747646.

ClinVar aggregate classification (germline): Uncertain significance (1 of 4 stars; one submission).

Conditions:
Oculofaciocardiodental syndrome (MCOPS2). Identifiers: Orphanet 2712, MedGen C1846265, MONDO:0010261, OMIM 300166.

Allele frequency attached by ClinVar (database versions not stated): gnomAD exomes below 0.00001.
gnomAD v4.1: 2 of 1,210,106 alleles (0.00017%); highest among the groups gnomAD compares: Non-Finnish European, 0.00011%; no homozygotes.

Submission:

Labcorp Genetics (formerly Invitae), Labcorp
Classification: Uncertain significance for Oculofaciocardiodental syndrome. Last evaluated: 2019-10-13. Review status: criteria provided, single submitter. Criteria: Invitae Variant Classification Sherloc (09022015). Collection method: clinical testing. Allele origin: germline.
Comment: In summary, the available evidence is currently insufficient to determine the role of this variant in disease. Therefore, it has been classified as a Variant of Uncertain Significance. Algorithms developed to predict the effect of missense changes on protein structure and function (SIFT, PolyPhen-2, Align-GVGD) all suggest that this variant is likely to be disruptive, but these predictions have not been confirmed by published functional studies and their clinical significance is uncertain. This variant has not been reported in the literature in individuals with BCOR-related conditions. This variant is not present in population databases (ExAC no frequency). This sequence change replaces proline with leucine at codon 313 of the BCOR protein (p.Pro313Leu). The proline residue is highly conserved and there is a moderate physicochemical difference between proline and leucine.